The following is an entry in ClinVar:

NM_138576.4(BCL11B):c.802C>A (p.Pro268Thr)

Gene: BCL11B (BCL11 transcription factor B; minus strand). Cytogenetic location: 14q32.2.
Variant type: single nucleotide variant.
Coding change: c.802C>A on transcript NM_138576.4 (MANE Select); coding-DNA position 802, C replaced by A.
Protein change: p.Pro268Thr; replaces proline 268 with threonine.
Molecular consequence: missense variant.
Genome position (GRCh38, 1-based): chr14:99,176,034, G>T on the plus strand (C>A on the coding strand, the complement: BCL11B is on the minus strand). VCF-style: chr14-99176034-G-T. GRCh37 (hg19) VCF-style: chr14-99642371-G-T.
Other names: c.799C>A, p.Pro267Thr (NM_001282237.2); c.586C>A, p.Pro196Thr (NM_001282238.2); c.589C>A, p.Pro197Thr (NM_022898.3); short protein forms P268T, P196T, P197T, P267T.
Identifiers: ClinVar variation 2816497 (VCV002816497.3), dbSNP rs2503652675, ClinGen allele CA390936744.
Genomic context (GRCh38, chr14:99,176,034, plus strand): 5'-GGTTGCTGTCGCCCAGGAAATTCATGAGCGGGGACTGCGCCACGGCCTCCGGCCCGAGCG[G>T]CGGCGGGATGGTGAGCCGCGGCGTGAGCGAGCTGCTGGCCGGCCCGGGCTCCAGGTAGAT-3'
Protein context (NP_612808.1, residues 258-278): SLTPRLTIPP[Pro268Thr]LGPEAVAQSP

ClinVar aggregate classification (germline): Uncertain significance (1 of 4 stars; one submission).

Submission:

Labcorp Genetics (formerly Invitae), Labcorp
Classification: Uncertain significance. Last evaluated: 2023-06-21. Review status: criteria provided, single submitter. Criteria: Invitae Variant Classification Sherloc (09022015). Collection method: clinical testing. Allele origin: germline.
Comment: This sequence change replaces proline, which is neutral and non-polar, with threonine, which is neutral and polar, at codon 268 of the BCL11B protein (p.Pro268Thr). This variant is not present in population databases (gnomAD no frequency). This variant has not been reported in the literature in individuals affected with BCL11B-related conditions. Advanced modeling of protein sequence and biophysical properties (such as structural, functional, and spatial information, amino acid conservation, physicochemical variation, residue mobility, and thermodynamic stability) performed at Invitae indicates that this missense variant is not expected to disrupt BCL11B protein function. In summary, the available evidence is currently insufficient to determine the role of this variant in disease. Therefore, it has been classified as a Variant of Uncertain Significance.